The following is an entry in ClinVar:

NM_003809.3(TNFSF12):c.350C>A (p.Pro117His)

Genes: TNFSF12 (TNF superfamily member 12; plus strand), TNFSF12-TNFSF13 (TNFSF12-TNFSF13 readthrough; plus strand). Cytogenetic location: 17p13.1.
Variant type: single nucleotide variant.
Coding change: c.350C>A on transcript NM_003809.3 (MANE Select); coding-DNA position 350, C replaced by A.
Protein change: p.Pro117His; replaces proline 117 with histidine.
Molecular consequence: missense variant. On other transcripts: non-coding transcript variant (1).
Genome position (GRCh38, 1-based): chr17:7,550,955, C>A. VCF-style: chr17-7550955-C-A. GRCh37 (hg19) VCF-style: chr17-7454272-C-A.
Other names: c.350C>A, p.Pro117His (NM_172089.4); short protein forms P117H.
Identifiers: ClinVar variation 2988315 (VCV002988315.3), dbSNP rs909633563, ClinGen allele CA287463194.
Genomic context (GRCh38, chr17:7,550,955, plus strand): 5'-GGCAGAGGGTCAGGGCAGGTCTCACCAGCCTTTTCCTGTACTTTACAGTTCATCCACGAC[C>A]TGGACAGGACGGAGCGCAGGCAGGTGAGACCCCATCCCCCGACACAGCACTGGCCTCCTG-3'
Protein context (NP_003800.1, residues 107-127): IAAHYEVHPR[Pro117His]GQDGAQAGVD

ClinVar aggregate classification (germline): Uncertain significance (1 of 4 stars; one submission).

Conditions:
Common variable immunodeficiency (CVID). Also called: Common variable hypogamma-globulinemia; Common variable agammaglobulinemia. Identifiers: Orphanet 1572, MedGen C0009447, MONDO:0015517.

Allele frequency attached by ClinVar (database versions not stated): TOPMed 0.00001; gnomAD 0.00003.

Submission:

Labcorp Genetics (formerly Invitae), Labcorp
Classification: Uncertain significance for Common variable immunodeficiency. Last evaluated: 2023-07-26. Review status: criteria provided, single submitter. Criteria: Invitae Variant Classification Sherloc (09022015). Collection method: clinical testing. Allele origin: germline.
Comment: In summary, the available evidence is currently insufficient to determine the role of this variant in disease. Therefore, it has been classified as a Variant of Uncertain Significance. An algorithm developed to predict the effect of missense changes on protein structure and function (PolyPhen-2) suggests that this variant is likely to be disruptive. This variant has not been reported in the literature in individuals affected with TNFSF12-related conditions. This variant is present in population databases (no rsID available, gnomAD 0.01%). This sequence change replaces proline, which is neutral and non-polar, with histidine, which is basic and polar, at codon 117 of the TNFSF12 protein (p.Pro117His).